The following is an entry in ClinVar:

ClinVar aggregate classification (germline): Uncertain significance (1 of 4 stars; one submission).

Conditions:
Familial cancer of breast. Also called: BREAST CANCER, FAMILIAL; Hereditary breast cancer; hereditary breast carcinoma. Identifiers: Orphanet 227535, MedGen C0346153, MONDO:0016419, OMIM 114480. Disease mechanism: loss of function.

Submission:

Labcorp Genetics (formerly Invitae), Labcorp
Classification: Uncertain significance for Familial cancer of breast. Last evaluated: 2023-07-07. Review status: criteria provided, single submitter. Criteria: Invitae Variant Classification Sherloc (09022015). Collection method: clinical testing. Allele origin: germline.
Comment: In summary, the available evidence is currently insufficient to determine the role of this variant in disease. Therefore, it has been classified as a Variant of Uncertain Significance. Experimental studies and prediction algorithms are not available or were not evaluated, and the functional significance of this variant is currently unknown. This variant has not been reported in the literature in individuals affected with CHEK2-related conditions. Information on the frequency of this variant in the gnomAD database is not available, as this variant may be reported differently in the database. This sequence change replaces histidine, which is basic and polar, with tyrosine, which is neutral and polar, at codon 339 of the CHEK2 protein (p.His339Tyr).

NM_007194.4(CHEK2):c.1014_1015delinsGT (p.His339Tyr)

Gene: CHEK2 (checkpoint kinase 2; minus strand). Cytogenetic location: 22q12.1.
Variant type: Indel.
Coding change: c.1014_1015delinsGT on transcript NM_007194.4 (MANE Select); coding-DNA positions 1014 to 1015, TC replaced by GT.
Protein change: p.His339Tyr; replaces histidine 339 with tyrosine.
Molecular consequence: missense variant. On other transcripts: intron variant (3).
Genome position (GRCh38, 1-based): chr22:28,696,981-28,696,982, GA replaced by AC on the plus strand (TC replaced by GT on the coding strand, the reverse complement: CHEK2 is on the minus strand). VCF-style: chr22-28696981-GA-AC. GRCh37 (hg19) VCF-style: chr22-29092969-GA-AC.
Other names: c.1009-1109_1009-1108delinsGT (NM_145862.3); c.1102-1109_1102-1108delinsGT (NM_001438295.1); c.1138-1109_1138-1108delinsGT (NM_001438294.1); c.1107_1108delinsGT, p.His370Tyr (NM_001438293.1); c.351_352delinsGT, p.His118Tyr (NM_001257387.3, NM_001437942.1); c.813_814delinsGT, p.His272Tyr (NM_001349956.3); c.1143_1144delinsGT, p.His382Tyr (NM_001005735.3); short protein forms H272Y, H339Y, H382Y, H118Y, H370Y.
Identifiers: ClinVar variation 2736825 (VCV002736825.3), dbSNP rs2517823472, ClinGen allele CA2697552612.